The following is an entry in ClinVar:

ClinVar aggregate classification (germline): Uncertain significance (1 of 4 stars; one submission).

Conditions:
Hereditary nonpolyposis colorectal neoplasms. Identifiers: MedGen C0009405, MeSH D003123.

Submission:

Labcorp Genetics (formerly Invitae), Labcorp
Classification: Uncertain significance for Hereditary nonpolyposis colorectal neoplasms. Last evaluated: 2023-10-22. Review status: criteria provided, single submitter. Criteria: Invitae Variant Classification Sherloc (09022015). Collection method: clinical testing. Allele origin: germline.
Comment: This sequence change replaces leucine, which is neutral and non-polar, with isoleucine, which is neutral and non-polar, at codon 601 of the MSH6 protein (p.Leu601Ile). This variant is not present in population databases (gnomAD no frequency). This variant has not been reported in the literature in individuals affected with MSH6-related conditions. Advanced modeling of protein sequence and biophysical properties (such as structural, functional, and spatial information, amino acid conservation, physicochemical variation, residue mobility, and thermodynamic stability) performed at Invitae indicates that this missense variant is not expected to disrupt MSH6 protein function. In summary, the available evidence is currently insufficient to determine the role of this variant in disease. Therefore, it has been classified as a Variant of Uncertain Significance.

NM_000179.3(MSH6):c.1801C>A (p.Leu601Ile)

Gene: MSH6 (mutS homolog 6; plus strand). Cytogenetic location: 2p16.3.
Variant type: single nucleotide variant.
Coding change: c.1801C>A on transcript NM_000179.3 (MANE Select); coding-DNA position 1801, C replaced by A.
Protein change: p.Leu601Ile; replaces leucine 601 with isoleucine.
Molecular consequence: missense variant. On other transcripts: non-coding transcript variant (4), intron variant (2).
Genome position (GRCh38, 1-based): chr2:47,799,784, C>A. VCF-style: chr2-47799784-C-A. GRCh37 (hg19) VCF-style: chr2-48026923-C-A.
Other names: c.1411C>A, p.Leu471Ile (NM_001281492.2); c.895C>A, p.Leu299Ile (NM_001281493.2, NM_001281494.2, NM_001406823.1 and 6 more transcripts); c.1897C>A, p.Leu633Ile (NM_001406795.1, NM_001406802.1); c.1801C>A, p.Leu601Ile (NM_001406796.1, NM_001406798.1, NM_001406800.1 and 3 more transcripts); c.1504C>A, p.Leu502Ile (NM_001406797.1, NM_001406801.1, NM_001406805.1 and 10 more transcripts); c.1276C>A, p.Leu426Ile (NM_001406799.1, NM_001406806.1, NM_001406807.1); c.1723C>A, p.Leu575Ile (NM_001406804.1); c.1633C>A, p.Leu545Ile (NM_001406826.1); and 3 more; short protein forms L502I, L601I, L633I, L471I, L575I, L603I, L299I, L426I.
Identifiers: ClinVar variation 2983525 (VCV002983525.3), dbSNP rs1553413197, ClinGen allele CA346749342.